The following is an entry in ClinVar:

ClinVar aggregate classification (germline): Uncertain significance (1 of 4 stars; one submission).

Submission:

CeGaT Center for Human Genetics Tuebingen
Classification: Uncertain significance. Last evaluated: 2024-07-01. Review status: criteria provided, single submitter. Criteria: CeGaT Center For Human Genetics Tuebingen Variant Classification Criteria Version 2. Collection method: clinical testing. Allele origin: germline. Affected: yes. Observed: 1 variant allele.
Comment: MAPK8IP3: PM2

NM_001318852.2(MAPK8IP3):c.3986T>C (p.Val1329Ala)

Gene: MAPK8IP3 (mitogen-activated protein kinase 8 interacting protein 3; plus strand). Cytogenetic location: 16p13.3.
Variant type: single nucleotide variant.
Coding change: c.3986T>C on transcript NM_001318852.2 (MANE Select); coding-DNA position 3986, T replaced by C.
Protein change: p.Val1329Ala; replaces valine 1329 with alanine.
Molecular consequence: missense variant.
Genome position (GRCh38, 1-based): chr16:1,768,796, T>C. VCF-style: chr16-1768796-T-C. GRCh37 (hg19) VCF-style: chr16-1818797-T-C.
Other names: c.3965T>C, p.Val1322Ala (NM_001040439.2); c.3983T>C, p.Val1328Ala (NM_015133.5); short protein forms V1322A, V1328A, V1329A.
Identifiers: ClinVar variation 3257472 (VCV003257472.17).